The following is an entry in ClinVar:

NM_014168.4(METTL5):c.547C>T (p.Arg183Ter)

Gene: METTL5 (methyltransferase 5, N6-adenosine; minus strand). Cytogenetic location: 2q31.1.
Variant type: single nucleotide variant.
Coding change: c.547C>T on transcript NM_014168.4 (MANE Select); coding-DNA position 547, C replaced by T.
Protein change: p.Arg183Ter; replaces arginine 183 with a stop codon.
Molecular consequence: nonsense.
Genome position (GRCh38, 1-based): chr2:169,812,501, G>A on the plus strand (C>T on the coding strand, the complement: METTL5 is on the minus strand). VCF-style: chr2-169812501-G-A. GRCh37 (hg19) VCF-style: chr2-170669011-G-A.
Other names: c.547C>T, p.Arg183Ter (NM_001293186.2, NM_001293187.2); short protein forms R183*.
Identifiers: ClinVar variation 2443569 (VCV002443569.1), dbSNP rs1246716253, ClinGen allele CA348895667.
Genomic context (GRCh38, chr2:169,812,501, plus strand): 5'-AAATCAAGAGACTTACTGATTTCTTTTTGTGAAACTTGTATGATGCTGGCAGGTCATATC[G>A]AAGTTCTGTAAAACAAAAGCCACCTAAGGATAAAATTGTATTTCCAAGCGTTTACCACCC-3'

ClinVar aggregate classification (germline): Uncertain significance (1 of 4 stars; one submission).

gnomAD v4.1: 4 of 1,613,412 alleles (0.00025%); highest among the groups gnomAD compares: East Asian, 0.0045%; no homozygotes.

Submission:

GeneDx
Classification: Uncertain significance. Last evaluated: 2022-09-12. Review status: criteria provided, single submitter. Criteria: GeneDx Variant Classification Process June 2021. Collection method: clinical testing. Allele origin: germline. Affected: yes.
Comment: Not observed at significant frequency in large population cohorts (gnomAD); Nonsense variant predicted to result in protein truncation as the last 27 amino acids are lost; Has not been previously published as pathogenic or benign to our knowledge